The following is an entry in ClinVar:

NM_019032.6(ADAMTSL4):c.2382+1G>A

Gene: ADAMTSL4 (ADAMTS like 4; plus strand). Cytogenetic location: 1q21.2.
Variant type: single nucleotide variant.
Coding change: c.2382+1G>A on transcript NM_019032.6 (MANE Select); the canonical splice donor site of the intron after coding-DNA position 2382, G replaced by A.
Molecular consequence: splice donor variant.
Genome position (GRCh38, 1-based): chr1:150,558,150, G>A. VCF-style: chr1-150558150-G-A. GRCh37 (hg19) VCF-style: chr1-150530626-G-A.
Other names: c.2451+1G>A (NM_001288608.2); c.2265+1G>A (NM_001288607.2); c.2382+1G>A (NM_001378596.1, NM_025008.5).
Identifiers: ClinVar variation 2118425 (VCV002118425.4), dbSNP rs1672396241, ClinGen allele CA342315011.

ClinVar aggregate classification (germline): Likely pathogenic (1 of 4 stars; one submission).

Allele frequency attached by ClinVar (database versions not stated): TOPMed below 0.00001; gnomAD 0.00001.

Submission:

Labcorp Genetics (formerly Invitae), Labcorp
Classification: Likely pathogenic. Last evaluated: 2024-12-19. Review status: criteria provided, single submitter. Criteria: Invitae Variant Classification Sherloc (09022015). Collection method: clinical testing. Allele origin: germline.
Comment: This sequence change affects a donor splice site in intron 14 of the ADAMTSL4 gene. It is expected to disrupt RNA splicing. Variants that disrupt the donor or acceptor splice site typically lead to a loss of protein function (PMID: 16199547), and loss-of-function variants in ADAMTSL4 are known to be pathogenic (PMID: 20564469, 28642162). This variant is not present in population databases (gnomAD no frequency). This variant has not been reported in the literature in individuals affected with ADAMTSL4-related conditions. ClinVar contains an entry for this variant (Variation ID: 2118425). Algorithms developed to predict the effect of sequence changes on RNA splicing suggest that this variant may disrupt the consensus splice site. In summary, the currently available evidence indicates that the variant is pathogenic, but additional data are needed to prove that conclusively. Therefore, this variant has been classified as Likely Pathogenic.

Literature cited by the submitters: PubMed 16199547; PubMed 20564469; PubMed 28642162.